The following is an entry in ClinVar:

ClinVar aggregate classification (germline): Benign. Review status: criteria provided, multiple submitters, no conflicts (2 of 4 stars). 2 submissions from 2 submitters: Benign (2). Last evaluated 2024-10-26.

Conditions:
Congenital afibrinogenemia. Identifiers: Orphanet 335, Orphanet 98880, MedGen C2584774, MONDO:0008737, OMIM 202400.

Allele frequency attached by ClinVar (database versions not stated): gnomAD 0.00002 and 0.00051; ESP Exome Variant Server 0.00008; TOPMed 0.00010; gnomAD exomes 0.00081 and 0.00161; 1000 Genomes Project 30x 0.00187; ExAC 0.00193; 1000 Genomes Project 0.00220.
gnomAD v4.1: 1,243 of 1,610,100 alleles (0.077%); highest among the groups gnomAD compares: South Asian, 1.3%; 21 homozygotes.

Submissions (2):

Labcorp Genetics (formerly Invitae), Labcorp
Classification: Benign. Last evaluated: 2024-10-26. Review status: criteria provided, single submitter. Criteria: Invitae Variant Classification Sherloc (09022015). Collection method: clinical testing. Allele origin: germline.

Illumina Laboratory Services, Illumina
Classification: Benign for Congenital afibrinogenemia. Last evaluated: 2018-01-12. Review status: criteria provided, single submitter. Criteria: ICSL Variant Classification Criteria 13 December 2019. Collection method: clinical testing. Allele origin: germline.
Comment: This variant was observed in the ICSL laboratory as part of a predisposition screen in an ostensibly healthy population. It had not been previously curated by ICSL or reported in the Human Gene Mutation Database (HGMD: prior to June 1st, 2018), and was therefore a candidate for classification through an automated scoring system. Utilizing variant allele frequency, disease prevalence and penetrance estimates, and inheritance mode, an automated score was calculated to assess if this variant is too frequent to cause the disease. Based on the score and internal cut-off values, a variant classified as benign is not then subjected to further curation. The score for this variant resulted in a classification of benign for this disease.

NM_021870.3(FGG):c.309T>C (p.Asn103=)

Gene: FGG (fibrinogen gamma chain; minus strand). Cytogenetic location: 4q32.1.
Variant type: single nucleotide variant.
Coding change: c.309T>C on transcript NM_021870.3 (MANE Select); coding-DNA position 309, T replaced by C.
Protein change: p.Asn103=; no amino-acid change (asparagine 103 retained).
Molecular consequence: synonymous variant.
Genome position (GRCh38, 1-based): chr4:154,611,897, A>G on the plus strand (T>C on the coding strand, the complement: FGG is on the minus strand). VCF-style: chr4-154611897-A-G. GRCh37 (hg19) VCF-style: chr4-155533049-A-G.
Other names: c.309T>C, p.Asn103= (NM_000509.6).
Identifiers: ClinVar variation 347831 (VCV000347831.8), dbSNP rs138916334, ClinGen allele CA3115675.
Genomic context (GRCh38, chr4:154,611,897, plus strand): 5'-TTCATATTTCATAATTTCTTCTAACATTTTCCTGGACTTCAAAGTAGCAGCGTCTATCAT[A>G]TCTGTAATATAGGATCAGAGACATAAAAATCCTTAAGCAAATAGAACAACTAAAACAACA-3'
Protein context (NP_068656.2, residues 93-113): TYNPDESSKP[Asn103=]MIDAATLKSR